The following is an entry in ClinVar:

NM_001282933.2(ZNF341):c.472G>T (p.Gly158Cys)

Gene: ZNF341 (zinc finger protein 341; plus strand). Cytogenetic location: 20q11.22.
Variant type: single nucleotide variant.
Coding change: c.472G>T on transcript NM_001282933.2 (MANE Select); coding-DNA position 472, G replaced by T.
Protein change: p.Gly158Cys; replaces glycine 158 with cysteine.
Molecular consequence: missense variant. On other transcripts: non-coding transcript variant (1).
Genome position (GRCh38, 1-based): chr20:33,749,055, G>T. VCF-style: chr20-33749055-G-T. GRCh37 (hg19) VCF-style: chr20-32336861-G-T.
Other names: c.202G>T, p.Gly68Cys (NM_001282935.2); c.472G>T, p.Gly158Cys (NM_032819.5); short protein forms G158C, G68C.
Identifiers: ClinVar variation 1912017 (VCV001912017.2), dbSNP rs978326782, ClinGen allele CA313331492.

ClinVar aggregate classification (germline): Uncertain significance (1 of 4 stars; one submission).

Allele frequency attached by ClinVar (database versions not stated): gnomAD 0.00001; gnomAD exomes 0.00001; TOPMed 0.00001.
gnomAD v4.1: 13 of 1,613,730 alleles (0.00081%); highest among the groups gnomAD compares: Admixed American, 0.0033%; no homozygotes.

Submission:

Labcorp Genetics (formerly Invitae), Labcorp
Classification: Uncertain significance. Last evaluated: 2022-01-05. Review status: criteria provided, single submitter. Criteria: Invitae Variant Classification Sherloc (09022015). Collection method: clinical testing. Allele origin: germline.
Comment: This sequence change replaces glycine, which is neutral and non-polar, with cysteine, which is neutral and slightly polar, at codon 158 of the ZNF341 protein (p.Gly158Cys). This variant is present in population databases (no rsID available, gnomAD 0.002%). This variant has not been reported in the literature in individuals affected with ZNF341-related conditions. Algorithms developed to predict the effect of missense changes on protein structure and function are either unavailable or do not agree on the potential impact of this missense change (SIFT: "Tolerated"; PolyPhen-2: "Possibly Damaging"; Align-GVGD: "Class C15"). In summary, the available evidence is currently insufficient to determine the role of this variant in disease. Therefore, it has been classified as a Variant of Uncertain Significance.